The following is an entry in ClinVar:

ClinVar aggregate classification (germline): Likely benign. Review status: criteria provided, multiple submitters, no conflicts (2 of 4 stars). 4 submissions from 4 submitters: Likely benign (4). Last evaluated 2026-01-24.

Conditions:
Fanconi anemia (FA). Also called: Fanconi's anemia. Identifiers: Orphanet 84, MedGen C0015625, MeSH D005199, MONDO:0019391.
Inborn genetic diseases. Identifiers: MedGen C0950123, MeSH D030342.

Allele frequency attached by ClinVar (database versions not stated): ExAC 0.00005; gnomAD exomes 0.00006; gnomAD 0.00010 and 0.00011; TOPMed 0.00010.
gnomAD v4.1: 278 of 1,614,164 alleles (0.017%); highest among the groups gnomAD compares: Non-Finnish European, 0.022%; no homozygotes.

Submissions (4):

Labcorp Genetics (formerly Invitae), Labcorp
Classification: Likely benign for Fanconi anemia. Last evaluated: 2026-01-24. Review status: criteria provided, single submitter. Criteria: Invitae Variant Classification Sherloc (09022015). Collection method: clinical testing. Allele origin: germline.

Blueprint Genetics
Classification: Likely benign. Last evaluated: 2024-09-03. Review status: criteria provided, single submitter. Criteria: ACMG Guidelines, 2015. Collection method: clinical testing. Allele origin: germline.

CeGaT Center for Human Genetics Tuebingen
Classification: Likely benign. Last evaluated: 2023-06-01. Review status: criteria provided, single submitter. Criteria: CeGaT Center For Human Genetics Tuebingen Variant Classification Criteria Version 2. Collection method: clinical testing. Allele origin: germline. Affected: yes. Observed: 1 variant allele.
Comment: FANCI: BP4, BP7

Ambry Genetics
Classification: Likely benign for Inborn genetic diseases. Last evaluated: 2019-09-12. Review status: criteria provided, single submitter. Criteria: Ambry Variant Classification Scheme 2023. Collection method: clinical testing. Allele origin: germline.

NM_001113378.2(FANCI):c.3114G>A (p.Ser1038=)

Gene: FANCI (FA complementation group I; plus strand). Cytogenetic location: 15q26.1.
Variant type: single nucleotide variant.
Coding change: c.3114G>A on transcript NM_001113378.2 (MANE Select); coding-DNA position 3114, G replaced by A.
Protein change: p.Ser1038=; no amino-acid change (serine 1038 retained).
Molecular consequence: synonymous variant.
Genome position (GRCh38, 1-based): chr15:89,305,170, G>A. VCF-style: chr15-89305170-G-A. GRCh37 (hg19) VCF-style: chr15-89848401-G-A.
Other names: c.2835G>A, p.Ser945= (NM_001376910.1); c.3114G>A, p.Ser1038= (NM_001376911.1); c.2934G>A, p.Ser978= (NM_018193.3).
Identifiers: ClinVar variation 696835 (VCV000696835.34), dbSNP rs567952571, ClinGen allele CA7723596.